The following is an entry in ClinVar:

ClinVar aggregate classification (germline): Uncertain significance (1 of 4 stars; one submission).

Conditions:
Long QT syndrome (LQTS). Identifiers: MedGen C0023976, MeSH D008133, MONDO:0002442. Disease mechanism: loss of function. Inheritance: Various modes of inheritance.

Submission:

All of Us Research Program, National Institutes of Health
Classification: Uncertain significance for Long QT syndrome. Last evaluated: 2023-12-13. Review status: criteria provided, single submitter. Criteria: ACMG Guidelines, 2015. Collection method: clinical testing. Allele origin: germline. Inheritance: Autosomal dominant inheritance. Observed: 1 variant allele, 1 heterozygote.
Comment: This missense variant replaces serine with isoleucine at codon 468 of the KCNQ1 protein. Computational prediction suggests that this variant may have deleterious impact on protein structure and function (internally defined REVEL score threshold >= 0.7, PMID: 27666373). To our knowledge, functional studies have not been reported for this variant. This variant has not been reported in individuals affected with KCNQ1-related disorders in the literature. This variant has not been identified in the general population by the Genome Aggregation Database (gnomAD). The available evidence is insufficient to determine the role of this variant in disease conclusively. Therefore, this variant is classified as a Variant of Uncertain Significance.

This study involves interpretation of variants in research participants for the purpose of population health screening. Participant phenotype was not available at the time of variant classification. Additional details can be found in publication PMID: 35346344, PMCID: PMC8962531

NM_000218.3(KCNQ1):c.1403G>T (p.Ser468Ile)

Genes: KCNQ1 (potassium voltage-gated channel subfamily Q member 1; plus strand), KCNQ1OT1 (KCNQ1 opposite strand/antisense transcript 1; minus strand). Cytogenetic location: 11p15.5.
Variant type: single nucleotide variant.
Coding change: c.1403G>T on transcript NM_000218.3 (MANE Select); coding-DNA position 1403, G replaced by T.
Protein change: p.Ser468Ile; replaces serine 468 with isoleucine.
Molecular consequence: missense variant. On other transcripts: non-coding transcript variant (1).
Genome position (GRCh38, 1-based): chr11:2,661,970, G>T. VCF-style: chr11-2661970-G-T. GRCh37 (hg19) VCF-style: chr11-2683200-G-T.
Other names: c.1307G>T, p.Ser436Ile (NM_001406836.1); c.1133G>T, p.Ser378Ile (NM_001406837.1); c.863G>T, p.Ser288Ile (NM_001406838.1); c.1022G>T, p.Ser341Ile (NM_181798.2); short protein forms S288I, S341I, S378I, S436I, S468I.
Identifiers: ClinVar variation 3074799 (VCV003074799.1), dbSNP rs1164903677, ClinGen allele CA379479371.